The following is an entry in ClinVar:

NM_000321.3(RB1):c.1757T>C (p.Leu586Pro)

Gene: RB1 (RB transcriptional corepressor 1; plus strand). Cytogenetic location: 13q14.2.
Variant type: single nucleotide variant.
Coding change: c.1757T>C on transcript NM_000321.3 (MANE Select); coding-DNA position 1757, T replaced by C.
Protein change: p.Leu586Pro; replaces leucine 586 with proline.
Molecular consequence: missense variant.
Genome position (GRCh38, 1-based): chr13:48,453,054, T>C. VCF-style: chr13-48453054-T-C. GRCh37 (hg19) VCF-style: chr13-49027190-T-C.
Other names: c.1757T>C, p.Leu586Pro (NM_001407165.1); short protein forms L586P.
Identifiers: ClinVar variation 1779496 (VCV001779496.2), dbSNP rs2138327183, ClinGen allele CA388165550.

ClinVar aggregate classification (germline): Uncertain significance (1 of 4 stars; one submission).

Conditions:
Hereditary cancer-predisposing syndrome. Also called: Neoplastic Syndromes, Hereditary; Tumor predisposition; Hereditary Cancer Syndrome; Hereditary neoplastic syndrome. Identifiers: Orphanet 140162, MedGen C0027672, MeSH D009386, MONDO:0015356.

Submission:

Ambry Genetics
Classification: Uncertain significance for Hereditary cancer-predisposing syndrome. Last evaluated: 2022-08-24. Review status: criteria provided, single submitter. Criteria: Ambry Variant Classification Scheme 2023. Collection method: clinical testing. Allele origin: germline.
Comment: The p.L586P variant (also known as c.1757T>C), located in coding exon 18 of the RB1 gene, results from a T to C substitution at nucleotide position 1757. The leucine at codon 586 is replaced by proline, an amino acid with similar properties. This amino acid position is conserved. In addition, this alteration is predicted to be tolerated by in silico analysis. Since supporting evidence is limited at this time, the clinical significance of this alteration remains unclear.